The following is an entry in ClinVar:

NM_001142966.3(GREB1L):c.4268G>A (p.Arg1423Gln)

Gene: GREB1L (GREB1 like retinoic acid receptor coactivator; plus strand). Cytogenetic location: 18q11.2.
Variant type: single nucleotide variant.
Coding change: c.4268G>A on transcript NM_001142966.3 (MANE Select); coding-DNA position 4268, G replaced by A.
Protein change: p.Arg1423Gln; replaces arginine 1423 with glutamine.
Molecular consequence: missense variant.
Genome position (GRCh38, 1-based): chr18:21,505,849, G>A. VCF-style: chr18-21505849-G-A. GRCh37 (hg19) VCF-style: chr18-19085810-G-A.
Other names: c.4397G>A, p.Arg1466Gln (NM_001410867.1); c.3941G>A, p.Arg1314Gln (NM_001410868.1); c.4268G>A (NM_001142966.1); short protein forms R1314Q, R1423Q, R1466Q.
Identifiers: ClinVar variation 2420803 (VCV002420803.8), dbSNP rs1027409544, ClinGen allele CA296947155.

ClinVar aggregate classification (germline): Uncertain significance. Review status: criteria provided, multiple submitters, no conflicts (2 of 4 stars). 3 submissions from 3 submitters: Uncertain significance (3). Last evaluated 2024-08-05.

Allele frequency attached by ClinVar (database versions not stated): gnomAD 0.00002; gnomAD exomes 0.00002; TOPMed 0.00002.
gnomAD v4.1: 34 of 1,551,698 alleles (0.0022%); highest among the groups gnomAD compares: Non-Finnish European, 0.0028%; no homozygotes.

Submissions (3):

GeneDx
Classification: Uncertain significance. Last evaluated: 2024-08-05. Review status: criteria provided, single submitter. Criteria: GeneDx Variant Classification Process June 2021. Collection method: clinical testing. Allele origin: germline. Affected: yes.
Comment: Not observed at significant frequency in large population cohorts (gnomAD); In silico analysis supports that this missense variant has a deleterious effect on protein structure/function; Has not been previously published as pathogenic or benign to our knowledge

Blueprint Genetics
Classification: Uncertain significance. Last evaluated: 2023-11-30. Review status: criteria provided, single submitter. Criteria: ACMG Guidelines, 2015. Collection method: clinical testing. Allele origin: germline.

Labcorp Genetics (formerly Invitae), Labcorp
Classification: Uncertain significance. Last evaluated: 2022-07-19. Review status: criteria provided, single submitter. Criteria: Invitae Variant Classification Sherloc (09022015). Collection method: clinical testing. Allele origin: germline.
Comment: In summary, the available evidence is currently insufficient to determine the role of this variant in disease. Therefore, it has been classified as a Variant of Uncertain Significance. Algorithms developed to predict the effect of missense changes on protein structure and function are either unavailable or do not agree on the potential impact of this missense change (SIFT: "Not Available"; PolyPhen-2: "Probably Damaging"; Align-GVGD: "Not Available"). This variant has not been reported in the literature in individuals affected with GREB1L-related conditions. This variant is present in population databases (no rsID available, gnomAD 0.005%). This sequence change replaces arginine, which is basic and polar, with glutamine, which is neutral and polar, at codon 1423 of the GREB1L protein (p.Arg1423Gln).